The following is an entry in ClinVar:

ClinVar aggregate classification (germline): Likely benign. Review status: criteria provided, multiple submitters, no conflicts (2 of 4 stars). 2 submissions from 2 submitters: Likely benign (2). Last evaluated 2019-07-11.

Conditions:
Inborn genetic diseases. Identifiers: MedGen C0950123, MeSH D030342.

Allele frequency attached by ClinVar (database versions not stated): gnomAD exomes below 0.00001; 1000 Genomes Project 30x 0.00021; 1000 Genomes Project 0.00026.

Submissions (2):

Ambry Genetics
Classification: Likely benign for Inborn genetic diseases. Last evaluated: 2019-07-11. Review status: criteria provided, single submitter. Criteria: Ambry Variant Classification Scheme 2023. Collection method: clinical testing. Allele origin: germline.

GeneDx
Classification: Likely benign. Last evaluated: 2016-03-18. Review status: criteria provided, single submitter. Criteria: GeneDx Variant Classification (06012015). Collection method: clinical testing. Allele origin: germline. Affected: yes.
Comment: This variant is considered likely benign or benign based on one or more of the following criteria: it is a conservative change, it occurs at a poorly conserved position in the protein, it is predicted to be benign by multiple in silico algorithms, and/or has population frequency not consistent with disease.

NM_003334.4(UBA1):c.2157G>A (p.Ser719=)

Gene: UBA1 (ubiquitin like modifier activating enzyme 1; plus strand). Cytogenetic location: Xp11.3.
Variant type: single nucleotide variant.
Coding change: c.2157G>A on transcript NM_003334.4 (MANE Select); coding-DNA position 2157, G replaced by A.
Protein change: p.Ser719=; no amino-acid change (serine 719 retained).
Molecular consequence: synonymous variant.
Genome position (GRCh38, 1-based): chrX:47,210,081, G>A. VCF-style: chrX-47210081-G-A. GRCh37 (hg19) VCF-style: chrX-47069480-G-A.
Other names: c.2157G>A, p.Ser719= (NM_153280.3).
Identifiers: ClinVar variation 384433 (VCV000384433.3), dbSNP rs782090610, ClinGen allele CA16608483.